The following is an entry in ClinVar:

NM_001830.4(CLCN4):c.1577-7_1577-6del

Gene: CLCN4 (Cl-/H+ antiporter 4; plus strand). Cytogenetic location: Xp22.2.
Variant type: Deletion.
Coding change: c.1577-7_1577-6del on transcript NM_001830.4 (MANE Select); 7 bases into the intron before coding-DNA position 1577 through 6 bases into the intron before coding-DNA position 1577, 2 bases deleted (GT; older notation c.1577-7_1577-6delGT).
Molecular consequence: intron variant.
Genome position (GRCh38, 1-based): chrX:10,213,674-10,213,675, GT deleted; deleting any 2 consecutive bases within chrX:10,213,673-10,213,675 gives the same sequence; the c. name uses the placement nearest the transcript's 3' end. VCF-style (leftmost placement, unchanged base first): chrX-10213672-CTG-C. GRCh37 (hg19) VCF-style: chrX-10181712-CTG-C.
Other names: c.1295-7_1295-6del (NM_001256944.2); c.1577-7_1577-6del (NM_001830.3).
Identifiers: ClinVar variation 696252 (VCV000696252.18), dbSNP rs769104994, ClinGen allele CA10347276.

ClinVar aggregate classification (germline): Likely benign. Review status: criteria provided, multiple submitters, no conflicts (2 of 4 stars). 2 submissions from 2 submitters: Likely benign (2). Last evaluated 2025-09-20.

Submissions (2):

Labcorp Genetics (formerly Invitae), Labcorp
Classification: Likely benign. Last evaluated: 2025-09-20. Review status: criteria provided, single submitter. Criteria: Invitae Variant Classification Sherloc (09022015). Collection method: clinical testing. Allele origin: germline.

CeGaT Center for Human Genetics Tuebingen
Classification: Likely benign. Last evaluated: 2025-07-01. Review status: criteria provided, single submitter. Criteria: CeGaT Center For Human Genetics Tuebingen Variant Classification Criteria Version 2. Collection method: clinical testing. Allele origin: germline. Affected: yes. Observed: 1 variant allele.
Comment: CLCN4: BP4, BS2